The following is an entry in ClinVar:

ClinVar aggregate classification (germline): Uncertain significance (1 of 4 stars; one submission).

Conditions:
Singleton-Merten syndrome 1 (SGMRT1). Also called: Widened medullary cavities of bone, aortic calcification, abnormal dentition, and muscular weakness; Syndrome of widened medullary cavities of the metacarpals and phalanges, aortic calcification and abnormal dentition. Identifiers: Orphanet 85191, MedGen C4225427, MONDO:0024535, OMIM 182250.
Aicardi-Goutieres syndrome 7 (AGS7). Identifiers: Orphanet 51, MedGen C3888244, MONDO:0014367, OMIM 615846.

gnomAD v4.1: 1 of 1,613,508 alleles (0.000062%); no homozygotes.

Submission:

Labcorp Genetics (formerly Invitae), Labcorp
Classification: Uncertain significance for Aicardi-Goutieres syndrome 7; Singleton-Merten syndrome 1. Last evaluated: 2022-11-08. Review status: criteria provided, single submitter. Criteria: Invitae Variant Classification Sherloc (09022015). Collection method: clinical testing. Allele origin: germline.
Comment: This variant is not present in population databases (gnomAD no frequency). In summary, the available evidence is currently insufficient to determine the role of this variant in disease. Therefore, it has been classified as a Variant of Uncertain Significance. Advanced modeling of protein sequence and biophysical properties (such as structural, functional, and spatial information, amino acid conservation, physicochemical variation, residue mobility, and thermodynamic stability) has been performed at Invitae for this missense variant, however the output from this modeling did not meet the statistical confidence thresholds required to predict the impact of this variant on IFIH1 protein function. This missense change has been observed in at least one individual who was not affected with IFIH1-related conditions (Invitae). This variant has not been reported in the literature in individuals affected with IFIH1-related conditions. This sequence change replaces phenylalanine, which is neutral and non-polar, with serine, which is neutral and polar, at codon 181 of the IFIH1 protein (p.Phe181Ser).

NM_022168.4(IFIH1):c.542T>C (p.Phe181Ser)

Gene: IFIH1 (interferon induced with helicase C domain 1; minus strand). Cytogenetic location: 2q24.2.
Variant type: single nucleotide variant.
Coding change: c.542T>C on transcript NM_022168.4 (MANE Select); coding-DNA position 542, T replaced by C.
Protein change: p.Phe181Ser; replaces phenylalanine 181 with serine.
Molecular consequence: missense variant.
Genome position (GRCh38, 1-based): chr2:162,310,845, A>G on the plus strand (T>C on the coding strand, the complement: IFIH1 is on the minus strand). VCF-style: chr2-162310845-A-G. GRCh37 (hg19) VCF-style: chr2-163167355-A-G.
Other names: short protein forms F181S.
Identifiers: ClinVar variation 2004838 (VCV002004838.4), dbSNP rs2468997040, ClinGen allele CA349011185.
Genomic context (GRCh38, chr2:162,310,845, plus strand): 5'-TCAGAGCCTGTTAACTCTTGGACAAGTTCATTGTTTCCTGTTTGACGAAGAACATTCAGA[A>G]ATGCAGAGAACCAGTTTTCTTTCTGCACAATCCTTTTTAGTAGCTCTCTTACACCTGATT-3'
Protein context (NP_071451.2, residues 171-191): IVQKENWFSA[Phe181Ser]LNVLRQTGNN